The following is an entry in ClinVar:

NM_001267550.2(TTN):c.33344C>T (p.Pro11115Leu)

Gene: TTN (titin; minus strand). Cytogenetic location: 2q31.2.
Variant type: single nucleotide variant.
Coding change: c.33344C>T on transcript NM_001267550.2 (MANE Select); coding-DNA position 33344, C replaced by T.
Protein change: p.Pro11115Leu; replaces proline 11115 with leucine.
Molecular consequence: missense variant. On other transcripts: intron variant (3).
Genome position (GRCh38, 1-based): chr2:178,680,328, G>A on the plus strand (C>T on the coding strand, the complement: TTN is on the minus strand). VCF-style: chr2-178680328-G-A. GRCh37 (hg19) VCF-style: chr2-179545055-G-A.
Other names: c.32393C>T, p.Pro10798Leu (NM_001256850.1); c.29612C>T, p.Pro9871Leu (NM_133378.4); c.13283-38011C>T (NM_003319.4); c.13859-38011C>T (NM_133437.4); c.13658-38011C>T (NM_133432.3); short protein forms P10798L, P11115L, P9871L.
Identifiers: ClinVar variation 3602214 (VCV003602214.1).

ClinVar aggregate classification (germline): Uncertain significance (1 of 4 stars; one submission).

gnomAD v4.1: 5 of 1,607,414 alleles (0.00031%); highest among the groups gnomAD compares: African/African-American, 0.0067%; no homozygotes.

Submission:

GeneDx
Classification: Uncertain significance. Last evaluated: 2024-08-01. Review status: criteria provided, single submitter. Criteria: GeneDx Variant Classification Process June 2021. Collection method: clinical testing. Allele origin: germline. Affected: yes.
Comment: Not observed at significant frequency in large population cohorts (gnomAD); Missense variant in a gene in which most reported pathogenic variants are truncating/loss of function; Has not been previously published as pathogenic or benign to our knowledge